The following is an entry in ClinVar:

NC_000023.10:g.(?_119575565)_(119576537_?)del

Gene: LAMP2 (lysosome associated membrane protein 2; minus strand). Cytogenetic location: Xq24.
Variant type: Deletion.
Identifiers: ClinVar variation 3244083 (VCV003244083.1).

ClinVar aggregate classification (germline): Pathogenic (1 of 4 stars; one submission).

Conditions:
Danon disease. Also called: ANTOPOL DISEASE; PSEUDOGLYCOGENOSIS II; GSD IIb; LYSOSOMAL GLYCOGEN STORAGE DISEASE WITHOUT ACID MALTASE DEFICIENCY; Glycogen Storage Disease Type IIb. Identifiers: Orphanet 34587, MedGen C0878677, MONDO:0010281, OMIM 300257.

Submission:

Labcorp Genetics (formerly Invitae), Labcorp
Classification: Pathogenic for Danon disease. Last evaluated: 2023-07-14. Review status: criteria provided, single submitter. Criteria: Invitae Variant Classification Sherloc (09022015). Collection method: clinical testing. Allele origin: unknown.
Comment: This variant is a gross deletion of the genomic region encompassing exon(s) 7-8 of the LAMP2 gene. While this deletion is not anticipated to lead to nonsense mediated decay, it is expected to disrupt the C-terminus of the protein. This variant has not been reported in the literature in individuals affected with LAMP2-related conditions. This variant disrupts a region of the LAMP2 protein in which other variant(s) (p.Lys361Serfs*19) have been determined to be pathogenic (PMID: 17899313). This suggests that this is a clinically significant region of the protein, and that variants that disrupt it are likely to be disease-causing. For these reasons, this variant has been classified as Pathogenic.

Literature cited by the submitters: PubMed 17899313.